The following is an entry in ClinVar:

NM_001370595.2(COA8):c.-32C>G

Gene: COA8 (cytochrome c oxidase assembly factor 8; plus strand). Cytogenetic location: 14q32.33.
Variant type: single nucleotide variant.
Coding change: c.-32C>G on transcript NM_001370595.2 (MANE Select); 32 bases upstream of the start codon, C replaced by G.
Molecular consequence: 5 prime UTR variant. On other transcripts: non-coding transcript variant (2).
Genome position (GRCh38, 1-based): chr14:103,562,970, C>G. VCF-style: chr14-103562970-C-G. GRCh37 (hg19) VCF-style: chr14-104029307-C-G.
Other names: c.8C>G (NM_032374.4, NM_032374.3); c.-32C>G (NM_001302653.2, NM_001302654.2).
Identifiers: ClinVar variation 1526292 (VCV001526292.11), dbSNP rs374070748, ClinGen allele CA7365367.

ClinVar aggregate classification (germline): Uncertain significance. Review status: criteria provided, multiple submitters, no conflicts (2 of 4 stars). 3 submissions from 3 submitters: Uncertain significance (3). Last evaluated 2025-11-06.

Conditions:
Inborn genetic diseases. Identifiers: MedGen C0950123, MeSH D030342.

Allele frequency attached by ClinVar (database versions not stated): TOPMed 0.00116; gnomAD 0.00123 and 0.00091; gnomAD exomes 0.00068; ESP Exome Variant Server 0.00051; ExAC 0.00321.
gnomAD v4.1: 1,326 of 1,513,624 alleles (0.088%); highest among the groups gnomAD compares: Admixed American, 0.15%; 3 homozygotes.

Submissions (3):

GeneDx
Classification: Uncertain significance. Last evaluated: 2025-11-06. Review status: criteria provided, single submitter. Criteria: GeneDx Variant Classification Process June 2021. Collection method: clinical testing. Allele origin: germline. Affected: yes.
Comment: In silico analysis suggests that this missense variant does not alter protein structure/function; Has not been previously published as pathogenic or benign to our knowledge; Reported using an alternate transcript of the gene

Ambry Genetics
Classification: Uncertain significance for Inborn genetic diseases. Last evaluated: 2025-05-25. Review status: criteria provided, single submitter. Criteria: Ambry Variant Classification Scheme 2023. Collection method: clinical testing. Allele origin: germline.

Labcorp Genetics (formerly Invitae), Labcorp
Classification: Uncertain significance. Last evaluated: 2022-10-31. Review status: criteria provided, single submitter. Criteria: Invitae Variant Classification Sherloc (09022015). Collection method: clinical testing. Allele origin: germline.
Comment: This sequence change replaces proline, which is neutral and non-polar, with arginine, which is basic and polar, at codon 3 of the APOPT1 protein (p.Pro3Arg). This variant is present in population databases (rs374070748, gnomAD 0.1%), and has an allele count higher than expected for a pathogenic variant. This variant has not been reported in the literature in individuals affected with APOPT1-related conditions. ClinVar contains an entry for this variant (Variation ID: 1526292). Algorithms developed to predict the effect of missense changes on protein structure and function are either unavailable or do not agree on the potential impact of this missense change (SIFT: "Tolerated"; PolyPhen-2: "Probably Damaging"; Align-GVGD: "Class C0"). In summary, the available evidence is currently insufficient to determine the role of this variant in disease. Therefore, it has been classified as a Variant of Uncertain Significance.